The following is an entry in ClinVar:

ClinVar aggregate classification (germline): Uncertain significance (1 of 4 stars; one submission).

Conditions:
DOCK2 deficiency. Also called: Immunodeficiency 40. Identifiers: Orphanet 447737, MedGen C4225328, MONDO:0014637, OMIM 616433.

Allele frequency attached by ClinVar (database versions not stated): gnomAD exomes below 0.00001.
gnomAD v4.1: 4 of 1,613,688 alleles (0.00025%); highest among the groups gnomAD compares: Non-Finnish European, 0.00034%; no homozygotes.

Submission:

Labcorp Genetics (formerly Invitae), Labcorp
Classification: Uncertain significance for DOCK2 deficiency. Last evaluated: 2021-03-08. Review status: criteria provided, single submitter. Criteria: Invitae Variant Classification Sherloc (09022015). Collection method: clinical testing. Allele origin: germline.
Comment: In summary, the available evidence is currently insufficient to determine the role of this variant in disease. Therefore, it has been classified as a Variant of Uncertain Significance. Algorithms developed to predict the effect of missense changes on protein structure and function are either unavailable or do not agree on the potential impact of this missense change (SIFT: "Deleterious"; PolyPhen-2: "Probably Damaging"; Align-GVGD: "Class C0"). This variant has not been reported in the literature in individuals with DOCK2-related conditions. This variant is not present in population databases (ExAC no frequency). This sequence change replaces alanine with threonine at codon 655 of the DOCK2 protein (p.Ala655Thr). The alanine residue is highly conserved and there is a small physicochemical difference between alanine and threonine.

NM_004946.3(DOCK2):c.1963G>A (p.Ala655Thr)

Gene: DOCK2 (dedicator of cytokinesis 2; plus strand). Cytogenetic location: 5q35.1.
Variant type: single nucleotide variant.
Coding change: c.1963G>A on transcript NM_004946.3 (MANE Select); coding-DNA position 1963, G replaced by A.
Protein change: p.Ala655Thr; replaces alanine 655 with threonine.
Molecular consequence: missense variant. On other transcripts: non-coding transcript variant (1).
Genome position (GRCh38, 1-based): chr5:169,716,234, G>A. VCF-style: chr5-169716234-G-A. GRCh37 (hg19) VCF-style: chr5-169143238-G-A.
Other names: short protein forms A655T.
Identifiers: ClinVar variation 1413104 (VCV001413104.8), dbSNP rs1440586284, ClinGen allele CA362108559.